The following is an entry in ClinVar:

NM_001845.6(COL4A1):c.2054G>A (p.Gly685Asp)

Gene: COL4A1 (collagen type IV alpha 1 chain; minus strand). Cytogenetic location: 13q34.
Variant type: single nucleotide variant.
Coding change: c.2054G>A on transcript NM_001845.6 (MANE Select); coding-DNA position 2054, G replaced by A.
Protein change: p.Gly685Asp; replaces glycine 685 with aspartic acid.
Molecular consequence: missense variant.
Genome position (GRCh38, 1-based): chr13:110,183,034, C>T on the plus strand (G>A on the coding strand, the complement: COL4A1 is on the minus strand). VCF-style: chr13-110183034-C-T. GRCh37 (hg19) VCF-style: chr13-110835381-C-T.
Other names: short protein forms G685D.
Identifiers: ClinVar variation 1494705 (VCV001494705.8), dbSNP rs1478344451, ClinGen allele CA388722174.
Genomic context (GRCh38, chr13:110,183,034, plus strand): 5'-GTCCGTCTGGCAGGGTTACCTTTGGGGCCGGGGGGCCCTGGAAATCCAATGCCTGGCTGG[C>T]CCACAGCGCCCTTCTCTCCTGGCAGGCCTGGCCTTCCTGGGGTTCCGGGAAAGCCTCGGT-3'
Protein context (NP_001836.3, residues 675-695): PGLPGEKGAV[Gly685Asp]QPGIGFPGPP

ClinVar aggregate classification (germline): Uncertain significance (1 of 4 stars; one submission).

Submission:

Labcorp Genetics (formerly Invitae), Labcorp
Classification: Uncertain significance. Last evaluated: 2021-05-30. Review status: criteria provided, single submitter. Criteria: Invitae Variant Classification Sherloc (09022015). Collection method: clinical testing. Allele origin: germline.
Comment: In summary, the available evidence is currently insufficient to determine the role of this variant in disease. Therefore, it has been classified as a Variant of Uncertain Significance. Advanced modeling of protein sequence and biophysical properties (such as structural, functional, and spatial information, amino acid conservation, physicochemical variation, residue mobility, and thermodynamic stability) performed at Invitae indicates that this missense variant is expected to disrupt COL4A1 protein function. This variant has not been reported in the literature in individuals with COL4A1-related conditions. This variant is not present in population databases (ExAC no frequency). This sequence change replaces glycine with aspartic acid at codon 685 of the COL4A1 protein (p.Gly685Asp). The glycine residue is highly conserved and there is a moderate physicochemical difference between glycine and aspartic acid.